The following is an entry in ClinVar:

ClinVar aggregate classification (germline): Benign/Likely benign. Review status: criteria provided, multiple submitters, no conflicts (2 of 4 stars). 3 submissions from 3 submitters: Benign (1); Likely benign (2). Last evaluated 2025-09-08.

Conditions:
Lynch syndrome 5 (LYNCH5). Also called: Colorectal cancer, hereditary nonpolyposis, type 5; Hereditary non-polyposis colorectal cancer, type 5. Identifiers: Orphanet 144, MedGen C1833477, MONDO:0013710, OMIM 614350. Disease mechanism: loss of function.
Hereditary nonpolyposis colorectal neoplasms. Identifiers: MedGen C0009405, MeSH D003123.
Hereditary cancer-predisposing syndrome. Also called: Neoplastic Syndromes, Hereditary; Hereditary Cancer Syndrome; Tumor predisposition; Hereditary neoplastic syndrome. Identifiers: Orphanet 140162, MedGen C0027672, MeSH D009386, MONDO:0015356.

Submissions (3):

Labcorp Genetics (formerly Invitae), Labcorp
Classification: Likely benign for Hereditary nonpolyposis colorectal neoplasms. Last evaluated: 2025-09-08. Review status: criteria provided, single submitter. Criteria: Invitae Variant Classification Sherloc (09022015). Collection method: clinical testing. Allele origin: germline.

Myriad Genetics, Inc.
Classification: Benign for Lynch syndrome 5. Last evaluated: 2024-12-19. Review status: criteria provided, single submitter. Criteria: Myriad Autosomal Dominant, Autosomal Recessive and X-Linked Classification Criteria (2023). Collection method: clinical testing. Allele origin: unknown.
Comment: This variant is considered benign. This variant is a silent/synonymous amino acid change and it is not expected to impact splicing.

Color Diagnostics, LLC DBA Color Health
Classification: Likely benign for Hereditary cancer-predisposing syndrome. Last evaluated: 2019-09-13. Review status: criteria provided, single submitter. Criteria: ACMG Guidelines, 2015. Collection method: clinical testing. Allele origin: germline.

NM_000179.3(MSH6):c.711A>G (p.Gly237=)

Gene: MSH6 (mutS homolog 6; plus strand). Cytogenetic location: 2p16.3.
Variant type: single nucleotide variant.
Coding change: c.711A>G on transcript NM_000179.3 (MANE Select); coding-DNA position 711, A replaced by G.
Protein change: p.Gly237=; no amino-acid change (glycine 237 retained).
Molecular consequence: synonymous variant. On other transcripts: 5 prime UTR variant (2).
Genome position (GRCh38, 1-based): chr2:47,798,694, A>G. VCF-style: chr2-47798694-A-G. GRCh37 (hg19) VCF-style: chr2-48025833-A-G.
Other names: c.321A>G, p.Gly107= (NM_001281492.2); c.-196A>G (NM_001281493.2, NM_001281494.2).
Identifiers: ClinVar variation 928078 (VCV000928078.8), dbSNP rs1669247431, ClinGen allele CA426120646.
Genomic context (GRCh38, chr2:47,798,694, plus strand): 5'-TAAGAGTGAAGAAGATAATGAAATTGAGAGTGAAGAGGAAGTACAGCCTAAGACACAAGG[A>G]TCTAGGCGAAGTAGCCGCCAAATAAAAAAACGAAGGGTCATATCAGATTCTGAGAGTGAC-3'
Protein context (NP_000170.1, residues 227-247): SEEEVQPKTQ[Gly237=]SRRSSRQIKK